The following is an entry in ClinVar:

ClinVar aggregate classification (germline): Benign. Review status: criteria provided, single submitter (1 of 4 stars). 2 submissions from 2 submitters: Benign (1). 1 of the submissions does not count toward it. Last evaluated 2025-04-24.

Conditions:
CREBBP-related disorder. Also called: CREBBP-related condition; CREBBP-related disorders.
Rubinstein-Taybi syndrome (RSTS). Identifiers: Orphanet 783, MedGen C0035934, MONDO:0019188.

gnomAD v4.1: 29 of 1,614,104 alleles (0.0018%); highest among the groups gnomAD compares: Admixed American, 0.027%; 1 homozygote.

Submissions (2):

Labcorp Genetics (formerly Invitae), Labcorp
Classification: Benign for Rubinstein-Taybi syndrome. Last evaluated: 2025-04-24. Review status: criteria provided, single submitter. Criteria: Invitae Variant Classification Sherloc (09022015). Collection method: clinical testing. Allele origin: germline.

PreventionGenetics, part of Exact Sciences
Classification: Likely benign for CREBBP-related condition. Last evaluated: 2023-05-31. Review status: no assertion criteria provided. Collection method: clinical testing. Allele origin: germline. Not counted in ClinVar's aggregate classification.
Comment: This variant is classified as likely benign based on ACMG/AMP sequence variant interpretation guidelines (Richards et al. 2015 PMID: 25741868, with internal and published modifications).

NM_004380.3(CREBBP):c.3205G>A (p.Gly1069Ser)

Gene: CREBBP (CREB binding lysine acetyltransferase; minus strand). Cytogenetic location: 16p13.3.
Variant type: single nucleotide variant.
Coding change: c.3205G>A on transcript NM_004380.3 (MANE Select); coding-DNA position 3205, G replaced by A.
Protein change: p.Gly1069Ser; replaces glycine 1069 with serine.
Molecular consequence: missense variant.
Genome position (GRCh38, 1-based): chr16:3,767,765, C>T on the plus strand (G>A on the coding strand, the complement: CREBBP is on the minus strand). VCF-style: chr16-3767765-C-T. GRCh37 (hg19) VCF-style: chr16-3817766-C-T.
Other names: c.3205G>A (NM_004380.2); c.3091G>A, p.Gly1031Ser (NM_001079846.1); short protein forms G1031S, G1069S.
Identifiers: ClinVar variation 2174589 (VCV002174589.6), dbSNP rs555109138, ClinGen allele CA7869910.